The following is an entry in ClinVar:

ClinVar aggregate classification (germline): Uncertain significance (0 of 4 stars; one submission).

Conditions:
TALDO1-related disorder. Also called: TALDO1-related condition.

Submission:

PreventionGenetics, part of Exact Sciences
Classification: Uncertain significance for TALDO1-related condition. Last evaluated: 2024-05-14. Review status: no assertion criteria provided. Collection method: clinical testing. Allele origin: germline.
Comment: The TALDO1 c.671A>G variant is predicted to result in the amino acid substitution p.Tyr224Cys. To our knowledge, this variant has not been reported in the literature or in gnomAD, indicating this variant is rare. At this time, the clinical significance of this variant is uncertain due to the absence of conclusive functional and genetic evidence.

NM_006755.2(TALDO1):c.671A>G (p.Tyr224Cys)

Genes: TALDO1 (transaldolase 1; plus strand), LOC126861110 (CDK7 strongly-dependent group 2 enhancer GRCh37_chr11:762588-763787; plus strand). Cytogenetic location: 11p15.5.
Variant type: single nucleotide variant.
Coding change: c.671A>G on transcript NM_006755.2 (MANE Select); coding-DNA position 671, A replaced by G.
Protein change: p.Tyr224Cys; replaces tyrosine 224 with cysteine.
Molecular consequence: missense variant.
Genome position (GRCh38, 1-based): chr11:763,780, A>G. VCF-style: chr11-763780-A-G. GRCh37 (hg19) VCF-style: chr11-763780-A-G.
Other names: short protein forms Y224C.
Identifiers: ClinVar variation 3346467 (VCV003346467.1).